The following is an entry in ClinVar:

NM_006269.2(RP1):c.2296C>T (p.Gln766Ter)

Gene: RP1 (RP1 axonemal microtubule associated; plus strand). Cytogenetic location: 8q12.1.
Variant type: single nucleotide variant.
Coding change: c.2296C>T on transcript NM_006269.2 (MANE Select); coding-DNA position 2296, C replaced by T.
Protein change: p.Gln766Ter; replaces glutamine 766 with a stop codon.
Molecular consequence: nonsense.
Genome position (GRCh38, 1-based): chr8:54,626,178, C>T. VCF-style: chr8-54626178-C-T. GRCh37 (hg19) VCF-style: chr8-55538738-C-T.
Other names: p.Gln766*; short protein forms Q766*.
Identifiers: ClinVar variation 620158 (VCV000620158.49), dbSNP rs775731489, ClinGen allele CA370993358.

ClinVar aggregate classification (germline): Pathogenic/Likely pathogenic. Review status: criteria provided, multiple submitters, no conflicts (2 of 4 stars). 4 submissions from 4 submitters: Pathogenic (3); Likely pathogenic (1). Last evaluated 2026-10-19.

Conditions:
RP1-related dominant retinopathy. Identifiers: MedGen CN322606, MONDO:0800400.

gnomAD v4.1: 1 of 1,611,048 alleles (0.000062%); highest among the groups gnomAD compares: African/African-American, 0.0013%; no homozygotes.

Submissions (4):

Department of Ophthalmology, Seoul National University Bundang Hospital
Classification: Pathogenic for RP1-related dominant retinopathy. Last evaluated: 2026-10-19. Review status: criteria provided, single submitter. Criteria: ACMG Guidelines, 2015. Collection method: clinical testing. Allele origin: germline. Inheritance: Autosomal dominant inheritance. Affected: yes.
Comment: Nonsense variant in exon 4, within the dominant cluster. Identified in a Korean multicenter RP1 cohort (PMID:42847597) with dominant retinitis pigmentosa. ACMG/AMP criteria: PVS1, PS4, PM2, PP1. Previously reported by Yoon et al., 2015 (PMID:26155838).

Labcorp Genetics (formerly Invitae), Labcorp
Classification: Pathogenic. Last evaluated: 2022-06-20. Review status: criteria provided, single submitter. Criteria: Invitae Variant Classification Sherloc (09022015). Collection method: clinical testing. Allele origin: germline.
Comment: For these reasons, this variant has been classified as Pathogenic. This variant disrupts the C-terminus of the RP1 protein. Many variants that disrupt this region have been reported in individuals with either autosomal dominant or autosomal recessive retinitis pigmentosa (PMID: 11527933, 19933189, 29425069, 30027431, 33681214). Therefore, variants that disrupt this region are expected to be disease-causing. ClinVar contains an entry for this variant (Variation ID: 620158). This premature translational stop signal has been observed in individual(s) with autosomal dominant retinitis pigmentosa (PMID: 26155838). It has also been observed to segregate with disease in related individuals. This variant is not present in population databases (gnomAD no frequency). This sequence change creates a premature translational stop signal (p.Gln766*) in the RP1 gene. While this is not anticipated to result in nonsense mediated decay, it is expected to disrupt the last 1391 amino acid(s) of the RP1 protein.

GeneDx
Classification: Likely pathogenic. Last evaluated: 2018-10-22. Review status: criteria provided, single submitter. Criteria: GeneDx Variant Classification (06012015). Collection method: clinical testing. Allele origin: germline. Affected: yes.
Comment: The Q766X variant in the RP1 gene has been reported previously in association with autosomal dominant retinitis pigmentosa (Yoon et al., 2015). This variant is predicted to cause loss of normal protein function through protein truncation, as the last 1,391 amino acids are lost. The Q766X variant is not observed in large population cohorts (Lek et al., 2016). We interpret Q766X as a likely pathogenic variant.

CeGaT Center for Human Genetics Tuebingen
Classification: Pathogenic. Last evaluated: 2018-05-01. Review status: criteria provided, single submitter. Criteria: CeGaT Center For Human Genetics Tuebingen Variant Classification Criteria Version 2. Collection method: clinical testing. Allele origin: germline. Affected: yes. Observed: 1 variant allele.

Literature cited by the submitters: PubMed 42847597 (cited by Department of Ophthalmology, Seoul National University Bundang Hospital); PubMed 26155838 (cited by Department of Ophthalmology, Seoul National University Bundang Hospital and Labcorp Genetics (formerly Invitae), Labcorp); PubMed 11527933 (cited by Labcorp Genetics (formerly Invitae), Labcorp); PubMed 19933189 (cited by Labcorp Genetics (formerly Invitae), Labcorp); PubMed 29425069 (cited by Labcorp Genetics (formerly Invitae), Labcorp); PubMed 30027431 (cited by Labcorp Genetics (formerly Invitae), Labcorp); PubMed 33681214 (cited by Labcorp Genetics (formerly Invitae), Labcorp).